The following is an entry in ClinVar:

ClinVar aggregate classification (germline): Pathogenic (1 of 4 stars; one submission).

Conditions:
Rubinstein-Taybi syndrome (RSTS). Identifiers: Orphanet 783, MedGen C0035934, MONDO:0019188.

Submission:

Labcorp Genetics (formerly Invitae), Labcorp
Classification: Pathogenic for Rubinstein-Taybi syndrome. Last evaluated: 2017-12-24. Review status: criteria provided, single submitter. Criteria: Invitae Variant Classification Sherloc (09022015). Collection method: clinical testing. Allele origin: germline.
Comment: Loss-of-function variants in CREBBP are known to be pathogenic (PMID: 17052327, 18792986). For these reasons, this variant has been classified as Pathogenic. This variant has not been reported in the literature in individuals with CREBBP-related disease. This variant is not present in population databases (ExAC no frequency). This sequence change creates a premature translational stop signal (p.Gly1411Trpfs*10) in the CREBBP gene. It is expected to result in an absent or disrupted protein product.

Literature cited by the submitters: PubMed 17052327; PubMed 18792986.

NM_004380.3(CREBBP):c.4230dup (p.Gly1411fs)

Gene: CREBBP (CREB binding lysine acetyltransferase; minus strand). Cytogenetic location: 16p13.3.
Variant type: Duplication.
Coding change: c.4230dup on transcript NM_004380.3 (MANE Select); coding-DNA position 4230, one base duplicated (T; older notation c.4230dupT).
Protein change: p.Gly1411fs; shifts the reading frame from glycine 1411.
Molecular consequence: frameshift variant.
Genome position (GRCh38, 1-based): chr16:3,739,628, A duplicated on the plus strand (T on the coding strand, the reverse complement: CREBBP is on the minus strand); the first of 6 consecutive A bases (chr16:3,739,628-3,739,633); duplicating any one gives the same sequence. VCF-style (leftmost placement, unchanged base first): chr16-3739627-C-CA. GRCh37 (hg19) VCF-style: chr16-3789628-C-CA.
Other names: c.4116dup, p.Gly1373fs (NM_001079846.1); c.4230dupT (NM_004380.2); short protein forms G1373fs, G1411fs.
Identifiers: ClinVar variation 527960 (VCV000527960.8), dbSNP rs1555473668, ClinGen allele CA658798529.